The following is an entry in ClinVar:

ClinVar aggregate classification (germline): Likely benign. Review status: criteria provided, multiple submitters, no conflicts (2 of 4 stars). 7 submissions from 7 submitters: Likely benign (7). Last evaluated 2026-01-18.

Conditions:
Familial thoracic aortic aneurysm and aortic dissection (TAAD). Also called: Thoracic aortic aneurysms and dissections. Identifiers: Orphanet 91387, MedGen C4707243, MONDO:0019625.
Connective tissue disorder. Also called: Connective tissue disease. Identifiers: MedGen C0009782, MONDO:0003900.
Aortic aneurysm, familial thoracic 4 (AAT4). Also called: AORTIC ANEURYSM/AORTIC DISSECTION AND PATENT DUCTUS ARTERIOSUS. Identifiers: MedGen C1851504, MONDO:0007568, OMIM 132900.

Allele frequency attached by ClinVar (database versions not stated): gnomAD 0.00009 and 0.00010; TOPMed 0.00011; ESP Exome Variant Server 0.00015.
gnomAD v4.1: 254 of 1,614,030 alleles (0.016%); highest among the groups gnomAD compares: Non-Finnish European, 0.021%; no homozygotes.

Submissions (7):

Labcorp Genetics (formerly Invitae), Labcorp
Classification: Likely benign for Aortic aneurysm, familial thoracic 4. Last evaluated: 2026-01-18. Review status: criteria provided, single submitter. Criteria: Invitae Variant Classification Sherloc (09022015). Collection method: clinical testing. Allele origin: germline.

ARUP Laboratories, Molecular Genetics and Genomics, ARUP Laboratories
Classification: Likely benign. Last evaluated: 2024-11-20. Review status: criteria provided, single submitter. Criteria: ARUP Molecular Germline Variant Investigation Process 2024. Collection method: clinical testing. Allele origin: germline.

CeGaT Center for Human Genetics Tuebingen
Classification: Likely benign. Last evaluated: 2024-09-01. Review status: criteria provided, single submitter. Criteria: CeGaT Center For Human Genetics Tuebingen Variant Classification Criteria Version 2. Collection method: clinical testing. Allele origin: germline. Affected: yes. Observed: 1 variant allele.
Comment: MYH11: BP4, BP7

GeneDx
Classification: Likely benign. Last evaluated: 2021-05-25. Review status: criteria provided, single submitter. Criteria: GeneDx Variant Classification Process June 2021. Collection method: clinical testing. Allele origin: germline. Affected: yes.

Color Diagnostics, LLC DBA Color Health
Classification: Likely benign for Familial thoracic aortic aneurysm and aortic dissection. Last evaluated: 2019-05-20. Review status: criteria provided, single submitter. Criteria: ACMG Guidelines, 2015. Collection method: clinical testing. Allele origin: germline.

Center for Human Genetics, Inc
Classification: Likely benign for Connective tissue disorder. Last evaluated: 2018-06-01. Review status: criteria provided, single submitter. Criteria: ACMG Guidelines, 2015. Collection method: clinical testing. Allele origin: germline. Affected: yes.

Ambry Genetics
Classification: Likely benign for Familial thoracic aortic aneurysm and aortic dissection. Last evaluated: 2016-11-07. Review status: criteria provided, single submitter. Criteria: Ambry Variant Classification Scheme 2023. Collection method: clinical testing. Allele origin: germline.

NM_002474.3(MYH11):c.585G>A (p.Leu195=)

Gene: MYH11 (myosin heavy chain 11; minus strand). Cytogenetic location: 16p13.11.
Variant type: single nucleotide variant.
Coding change: c.585G>A on transcript NM_002474.3 (MANE Select); coding-DNA position 585, G replaced by A.
Protein change: p.Leu195=; no amino-acid change (leucine 195 retained).
Molecular consequence: synonymous variant.
Genome position (GRCh38, 1-based): chr16:15,786,678, C>T on the plus strand (G>A on the coding strand, the complement: MYH11 is on the minus strand). VCF-style: chr16-15786678-C-T. GRCh37 (hg19) VCF-style: chr16-15880535-C-T.
Other names: c.585G>A, p.Leu195= (NM_001040113.2, NM_001040114.2, NM_022844.3).
Identifiers: ClinVar variation 381485 (VCV000381485.33), dbSNP rs146695946, ClinGen allele CA7922930.